The following is an entry in ClinVar:

NM_001365951.3(KIF1B):c.2115+6205C>T

Gene: KIF1B (kinesin family member 1B; plus strand). Cytogenetic location: 1p36.22.
Variant type: single nucleotide variant.
Coding change: c.2115+6205C>T on transcript NM_001365951.3 (MANE Select); 6205 bases into the intron after coding-DNA position 2115, C replaced by T.
Molecular consequence: intron variant. On other transcripts: missense variant (2).
Genome position (GRCh38, 1-based): chr1:10,303,451, C>T. VCF-style: chr1-10303451-C-T. GRCh37 (hg19) VCF-style: chr1-10363509-C-T.
Other names: c.2266C>T, p.Arg756Trp (NM_001365953.1, NM_183416.4); c.1977+6205C>T (NM_015074.3); c.2115+6205C>T (NM_001365952.1); short protein forms R756W.
Identifiers: ClinVar variation 279823 (VCV000279823.4), dbSNP rs771399291, ClinGen allele CA581216.
Genomic context (GRCh38, chr1:10,303,451, plus strand): 5'-AAAATTCAGGCTGTCAAAGAGATTTGCTATGAGGTTGCTCTCAATGACTTCAGGCACAGT[C>T]GGCAGGAGATTGAAGCCCTGGCCATTGTCAAGATGAAGGAGCTTTGTGCCATGTATGGCA-3'

ClinVar aggregate classification (germline): Uncertain significance. Review status: criteria provided, multiple submitters, no conflicts (2 of 4 stars). 2 submissions from 2 submitters: Uncertain significance (2). Last evaluated 2016-01-26.

Conditions:
Hemihypertrophy. Identifiers: MedGen C0332890, HP:0001528.
Scoliosis. Identifiers: MedGen C0036439, MONDO:0005392, HP:0002650.
Decreased muscle mass. Identifiers: MedGen C1837108, HP:0003199.
Congenital contracture. Also called: Congenital contractures. Identifiers: MedGen C0332878, MONDO:0022823, HP:0002803.
Arthrogryposis multiplex congenita (AMC). Also called: Congenital multiple arthrogryposis; Fibrous ankylosis of multiple joints; Congenital arthromyodysplasia; Myodystrophia fetalis deformans; Otto syndrome; Rocher-Sheldon syndrome. Identifiers: Orphanet 1037, MedGen C5779613, MeSH D001176, MONDO:0015168, HP:0002804.
Short lower limbs. Identifiers: MedGen C0426901, HP:0006385.
Upper limb undergrowth. Identifiers: MedGen C1837406, HP:0009824.

Allele frequency attached by ClinVar (database versions not stated): TOPMed 0.00001 and 0.00002; gnomAD exomes 0.00002; gnomAD 0.00003 and 0.00006; ExAC 0.00002.
gnomAD v4.1: 35 of 1,614,040 alleles (0.0022%); highest among the groups gnomAD compares: South Asian, 0.0033%; no homozygotes.

Submissions (2):

GeneDx
Classification: Uncertain significance. Last evaluated: 2016-01-26. Review status: criteria provided, single submitter. Criteria: GeneDx Variant Classification (06012015). Collection method: clinical testing. Allele origin: germline. Affected: yes.
Comment: The R756W variant in the KIF1B gene has not been published as a pathogenic variant, nor has it been reported as a benign polymorphism to our knowledge. This variant is present in an alternate transcript of the KIF1B gene (NM_183416.3), but not in the primary isoform used by the Human Gene Mutation Database (NM_015074.3). The R756W variant was not observed in approximately 6500 individuals of European and African American ancestry in the NHLBI Exome Sequencing Project, indicating it is not a common benign variant in these populations. The R756W variant is a non-conservative amino acid substitution which is likely to impact secondary protein structure as these residues differ in polarity, charge, size and/or other properties. This substitution occurs at a position that is conserved across species. In silico analysis predicts this variant is probably damaging to the protein structure/function. Only one loss of function variant and no missense variants have been reported in association with Charcot- Marie-Tooth disease for this alternative transcript (NM_183416.3); however, multiple missense variants have been reported for the main transcript (NM_015074.3) (Stenson et al., 2014). We interpret R756W as a variant of uncertain significance.

Centre for Mendelian Genomics, University Medical Centre Ljubljana
Classification: Uncertain significance for Arthrogryposis multiplex congenita; Congenital contracture; Decreased muscle mass; Hemihypertrophy; Scoliosis; Short lower limbs; Upper limb undergrowth. Last evaluated: 2014-03-24. Review status: criteria provided, single submitter. Criteria: ACMG Guidelines, 2015. Collection method: clinical testing. Allele origin: unknown. Affected: yes.